The following is an entry in ClinVar:

ClinVar aggregate classification (germline): Pathogenic (1 of 4 stars; one submission).

Conditions:
Lynch syndrome 5 (LYNCH5). Also called: Colorectal cancer, hereditary nonpolyposis, type 5; Hereditary non-polyposis colorectal cancer, type 5. Identifiers: Orphanet 144, MedGen C1833477, MONDO:0013710, OMIM 614350. Disease mechanism: loss of function.

Allele frequency attached by ClinVar (database versions not stated): gnomAD exomes below 0.00001.

Submission:

Myriad Genetics, Inc.
Classification: Pathogenic for Lynch syndrome 5. Last evaluated: 2023-08-10. Review status: criteria provided, single submitter. Criteria: Myriad Autosomal Dominant, Autosomal Recessive and X-Linked Classification Criteria (2023). Collection method: clinical testing. Allele origin: unknown.
Comment: This variant is considered pathogenic. This variant creates a frameshift predicted to result in premature protein truncation.

NM_000179.3(MSH6):c.652_653del (p.Lys218fs)

Gene: MSH6 (mutS homolog 6; plus strand). Cytogenetic location: 2p16.3.
Variant type: Deletion.
Coding change: c.652_653del on transcript NM_000179.3 (MANE Select); coding-DNA positions 652 to 653, 2 bases deleted (AA; older notation c.652_653delAA).
Protein change: p.Lys218fs; shifts the reading frame from lysine 218.
Molecular consequence: frameshift variant. On other transcripts: 5 prime UTR variant (9), non-coding transcript variant (4), intron variant (1).
Genome position (GRCh38, 1-based): chr2:47,798,635-47,798,636, AA deleted. VCF-style (leftmost placement, unchanged base first): chr2-47798634-TAA-T. GRCh37 (hg19) VCF-style: chr2-48025773-TAA-T.
Other names: c.262_263del, p.Lys88fs (NM_001281492.2); c.-255_-254del (NM_001281493.2, NM_001281494.2, NM_001406811.1 and 6 more transcripts); c.748_749del, p.Lys250fs (NM_001406795.1, NM_001406802.1); c.652_653del, p.Lys218fs (NM_001406796.1, NM_001406798.1, NM_001406800.1 and 4 more transcripts); c.355_356del, p.Lys119fs (NM_001406797.1, NM_001406801.1, NM_001406805.1 and 10 more transcripts); c.127_128del, p.Lys43fs (NM_001406799.1, NM_001406806.1, NM_001406807.1); c.574_575del, p.Lys192fs (NM_001406804.1); c.658_659del, p.Lys220fs (NM_001406813.1); and 2 more; short protein forms K119fs, K162fs, K192fs, K218fs, K220fs, K250fs, K43fs, K88fs.
Identifiers: ClinVar variation 2673606 (VCV002673606.1), dbSNP rs2530563838, ClinGen allele CA2586969248.